The following is an entry in ClinVar:

ClinVar aggregate classification (germline): Pathogenic/Likely pathogenic. Review status: criteria provided, multiple submitters, no conflicts (2 of 4 stars). 3 submissions from 3 submitters: Pathogenic (1); Likely pathogenic (1). 1 of the submissions does not count toward it. Last evaluated 2022-06-14.

Conditions:
Polycystic kidney disease 4 (PKD4). Also called: POLYCYSTIC KIDNEY DISEASE 4 WITH OR WITHOUT POLYCYSTIC LIVER DISEASE; POLYCYSTIC KIDNEY AND HEPATIC DISEASE 1; POLYCYSTIC KIDNEY DISEASE, INFANTILE, TYPE I; PKD3; Autosomal Recessive Polycystic Kidney Disease – PKHD1. Identifiers: MedGen C4540575, MONDO:0033004, OMIM 263200.
Autosomal recessive polycystic kidney disease (ARPKD). Also called: AR polycystic kidney disease. Identifiers: Orphanet 731, Orphanet 8378, MedGen C0085548, MeSH D017044, MONDO:0009889.

Allele frequency attached by ClinVar (database versions not stated): gnomAD exomes below 0.00001; ExAC 0.00001.
gnomAD v4.1: 4 of 1,613,790 alleles (0.00025%); highest among the groups gnomAD compares: South Asian, 0.0022%; no homozygotes.

Submissions (3):

Labcorp Genetics (formerly Invitae), Labcorp
Classification: Pathogenic for Autosomal recessive polycystic kidney disease. Last evaluated: 2022-06-14. Review status: criteria provided, single submitter. Criteria: Invitae Variant Classification Sherloc (09022015). Collection method: clinical testing. Allele origin: germline.
Comment: For these reasons, this variant has been classified as Pathogenic. This variant disrupts the p.Cys2965 amino acid residue in PKHD1. Other variant(s) that disrupt this residue have been observed in individuals with PKHD1-related conditions (Invitae), which suggests that this may be a clinically significant amino acid residue. Advanced modeling of protein sequence and biophysical properties (such as structural, functional, and spatial information, amino acid conservation, physicochemical variation, residue mobility, and thermodynamic stability) performed at Invitae indicates that this missense variant is expected to disrupt PKHD1 protein function. ClinVar contains an entry for this variant (Variation ID: 556643). This missense change has been observed in individual(s) with autosomal recessive polycystic kidney disease (PMID: 16133180, 33532864). In at least one individual the data is consistent with being in trans (on the opposite chromosome) from a pathogenic variant. This variant is not present in population databases (gnomAD no frequency). This sequence change replaces cysteine, which is neutral and slightly polar, with arginine, which is basic and polar, at codon 2965 of the PKHD1 protein (p.Cys2965Arg).

Molecular Biology Laboratory, Fundació Puigvert
Classification: Likely pathogenic for Polycystic kidney disease 4. Last evaluated: 2020-02-01. Review status: criteria provided, single submitter. Criteria: ACMG Guidelines, 2015. Collection method: research. Allele origin: inherited. Affected: yes. Study: KidneyPanel_2020.

Counsyl
Classification: Uncertain significance for Polycystic kidney disease 4. Last evaluated: 2018-02-13. Review status: no assertion criteria provided. Collection method: clinical testing. Allele origin: unknown. Not counted in ClinVar's aggregate classification.

Literature cited by the submitters: PubMed 16133180 (cited by Labcorp Genetics (formerly Invitae), Labcorp and Counsyl); PubMed 33532864 (cited by Labcorp Genetics (formerly Invitae), Labcorp and Molecular Biology Laboratory, Fundació Puigvert).

NM_138694.4(PKHD1):c.8893T>C (p.Cys2965Arg)

Gene: PKHD1 (PKHD1 ciliary IPT domain containing fibrocystin/polyductin; minus strand). Cytogenetic location: 6p12.3.
Variant type: single nucleotide variant.
Coding change: c.8893T>C on transcript NM_138694.4 (MANE Select); coding-DNA position 8893, T replaced by C.
Protein change: p.Cys2965Arg; replaces cysteine 2965 with arginine.
Molecular consequence: missense variant.
Genome position (GRCh38, 1-based): chr6:51,753,258, A>G on the plus strand (T>C on the coding strand, the complement: PKHD1 is on the minus strand). VCF-style: chr6-51753258-A-G. GRCh37 (hg19) VCF-style: chr6-51618056-A-G.
Other names: c.8893T>C, p.Cys2965Arg (NM_170724.3); short protein forms C2965R.
Identifiers: ClinVar variation 556643 (VCV000556643.10), dbSNP rs770068023, ClinGen allele CA3851498.